The following is an entry in ClinVar:

ClinVar aggregate classification (germline): Uncertain significance. Review status: criteria provided, multiple submitters, no conflicts (2 of 4 stars). 4 submissions from 4 submitters: Uncertain significance (4). Last evaluated 2024-02-28.

Conditions:
Emery-Dreifuss muscular dystrophy 4, autosomal dominant (EDMD4). Also called: EMERY-DREIFUSS MUSCULAR DYSTROPHY 4 WITH VARIABLE FEATURES. Identifiers: Orphanet 261, MedGen C2751807, MONDO:0013071, OMIM 612998.
Autosomal recessive ataxia, Beauce type. Also called: SYNE1 Deficiency; Spinocerebellar ataxia, autosomal recessive 8; SYNE1-Related Autosomal Recessive Cerebellar Ataxia; ATAXIA, RECESSIVE, OF BEAUCE. Identifiers: Orphanet 88644, MedGen C1853116, MONDO:0012549, OMIM 610743.

Allele frequency attached by ClinVar (database versions not stated): gnomAD 0.00004; gnomAD exomes 0.00004 and 0.00007; TOPMed 0.00007; ExAC 0.00008.
gnomAD v4.1: 68 of 1,614,088 alleles (0.0042%); highest among the groups gnomAD compares: Non-Finnish European, 0.0054%; no homozygotes.

Submissions (4):

Revvity Omics, Revvity
Classification: Uncertain significance. Last evaluated: 2024-02-28. Review status: criteria provided, single submitter. Criteria: ACMG Guidelines, 2015. Collection method: clinical testing. Allele origin: germline.

Labcorp Genetics (formerly Invitae), Labcorp
Classification: Uncertain significance for Emery-Dreifuss muscular dystrophy 4, autosomal dominant; Autosomal recessive ataxia, Beauce type. Last evaluated: 2024-02-05. Review status: criteria provided, single submitter. Criteria: Invitae Variant Classification Sherloc (09022015). Collection method: clinical testing. Allele origin: germline.
Comment: This sequence change replaces proline, which is neutral and non-polar, with serine, which is neutral and polar, at codon 5813 of the SYNE1 protein (p.Pro5813Ser). This variant is present in population databases (rs767508394, gnomAD 0.02%). This variant has not been reported in the literature in individuals affected with SYNE1-related conditions. ClinVar contains an entry for this variant (Variation ID: 429673). An algorithm developed to predict the effect of missense changes on protein structure and function (PolyPhen-2) suggests that this variant is likely to be disruptive. In summary, the available evidence is currently insufficient to determine the role of this variant in disease. Therefore, it has been classified as a Variant of Uncertain Significance.

Greenwood Genetic Center Diagnostic Laboratories, Greenwood Genetic Center
Classification: Uncertain significance. Last evaluated: 2022-10-06. Review status: criteria provided, single submitter. Criteria: ACMG Guidelines, 2015. Collection method: clinical testing. Allele origin: germline. Affected: yes.
Comment: PM2

GeneDx
Classification: Uncertain significance. Last evaluated: 2017-05-08. Review status: criteria provided, single submitter. Criteria: GeneDx Variant Classification (06012015). Collection method: clinical testing. Allele origin: germline. Affected: yes.
Comment: The P5813S variant has not been published as a pathogenic variant, nor has it been reported as a benign variant to our knowledge. The P5813S variant is observed in 10/66706 (0.015%) alleles from individuals of European background (Lek et al., 2016; 1000 Genomes Consortium et al., 2015; Exome Variant Server). This variant is a non-conservative amino acid substitution, which is likely to impact secondary protein structure as these residues differ in polarity, charge, size and/or other properties. This substitution occurs at a position that is conserved across species, and in silico analysis predicts this variant is probably damaging to the protein structure/function. However, missense variants in nearby residues have not been reported in the Human Gene Mutation Database in association with SYNE1-related disorders (Stenson et al., 2014).

NM_182961.4(SYNE1):c.17650C>T (p.Pro5884Ser)

Gene: SYNE1 (spectrin repeat containing nuclear envelope protein 1; minus strand). Cytogenetic location: 6q25.2.
Variant type: single nucleotide variant.
Coding change: c.17650C>T on transcript NM_182961.4 (MANE Select); coding-DNA position 17650, C replaced by T.
Protein change: p.Pro5884Ser; replaces proline 5884 with serine.
Molecular consequence: missense variant.
Genome position (GRCh38, 1-based): chr6:152,300,673, G>A on the plus strand (C>T on the coding strand, the complement: SYNE1 is on the minus strand). VCF-style: chr6-152300673-G-A. GRCh37 (hg19) VCF-style: chr6-152621808-G-A.
Other names: c.17437C>T, p.Pro5813Ser (NM_033071.5); short protein forms P5813S, P5884S.
Identifiers: ClinVar variation 429673 (VCV000429673.12), dbSNP rs767508394, ClinGen allele CA4055172.